The following is an entry in ClinVar:

NM_014946.4(SPAST):c.965G>A (p.Ser322Asn)

Gene: SPAST (spastin; plus strand). Cytogenetic location: 2p22.3.
Variant type: single nucleotide variant.
Coding change: c.965G>A on transcript NM_014946.4 (MANE Select); coding-DNA position 965, G replaced by A.
Protein change: p.Ser322Asn; replaces serine 322 with asparagine.
Molecular consequence: missense variant.
Genome position (GRCh38, 1-based): chr2:32,115,796, G>A. VCF-style: chr2-32115796-G-A. GRCh37 (hg19) VCF-style: chr2-32340865-G-A.
Other names: p.Ser322Asn; c.869G>A, p.Ser290Asn (NM_001377959.1, NM_199436.2); c.962G>A, p.Ser321Asn (NM_001363823.2); c.866G>A, p.Ser289Asn (NM_001363875.2); short protein forms S289N, S290N, S321N, S322N.
Identifiers: ClinVar variation 1111773 (VCV001111773.13), dbSNP rs200329686, ClinGen allele CA1600749.

ClinVar aggregate classification (germline): Likely benign. Review status: criteria provided, multiple submitters, no conflicts (2 of 4 stars). 4 submissions from 4 submitters: Likely benign (4). Last evaluated 2025-06-23.

Conditions:
Hereditary spastic paraplegia 4. Also called: Familial spastic paraplegia autosomal dominant 2; Spastic Paraplegia 4; Spastic paraplegia 4, autosomal dominant. Identifiers: Orphanet 100985, MedGen C1866855, MONDO:0008438, OMIM 182601.

Allele frequency attached by ClinVar (database versions not stated): TOPMed 0.00004; gnomAD 0.00005; gnomAD exomes 0.00005 and 0.00010; ExAC 0.00006.
gnomAD v4.1: 84 of 1,611,670 alleles (0.0052%); highest among the groups gnomAD compares: Non-Finnish European, 0.0014%; no homozygotes.

Submissions (4):

Mayo Clinic Laboratories, Mayo Clinic
Classification: Likely benign. Last evaluated: 2025-06-23. Review status: criteria provided, single submitter. Criteria: ACMG Guidelines, 2015. Collection method: clinical testing. Allele origin: germline. Observed: 1 variant allele.
Comment: BS1, BP4_moderate

Labcorp Genetics (formerly Invitae), Labcorp
Classification: Likely benign for Hereditary spastic paraplegia 4. Last evaluated: 2025-03-01. Review status: criteria provided, single submitter. Criteria: Invitae Variant Classification Sherloc (09022015). Collection method: clinical testing. Allele origin: germline.

GeneDx
Classification: Likely benign. Last evaluated: 2021-01-22. Review status: criteria provided, single submitter. Criteria: GeneDx Variant Classification Process June 2021. Collection method: clinical testing. Allele origin: germline. Affected: yes.

Breakthrough Genomics
Classification: Likely benign. Review status: criteria provided, single submitter. Criteria: ACMG Guidelines, 2015. Collection method: not provided. Allele origin: germline. Inheritance: Autosomal dominant inheritance. Affected: yes.